The following is an entry in ClinVar:

NM_006514.4(SCN10A):c.920C>G (p.Pro307Arg)

Gene: SCN10A (sodium voltage-gated channel alpha subunit 10; minus strand). Cytogenetic location: 3p22.2.
Variant type: single nucleotide variant.
Coding change: c.920C>G on transcript NM_006514.4 (MANE Select); coding-DNA position 920, C replaced by G.
Protein change: p.Pro307Arg; replaces proline 307 with arginine.
Molecular consequence: missense variant.
Genome position (GRCh38, 1-based): chr3:38,760,711, G>C on the plus strand (C>G on the coding strand, the complement: SCN10A is on the minus strand). VCF-style: chr3-38760711-G-C. GRCh37 (hg19) VCF-style: chr3-38802202-G-C.
Other names: c.920C>G, p.Pro307Arg (NM_001293306.2, NM_001293307.2); short protein forms P307R.
Identifiers: ClinVar variation 4747808 (VCV004747808.1).

ClinVar aggregate classification (germline): Uncertain significance (1 of 4 stars; one submission).

Conditions:
Brugada syndrome. Also called: Sudden unexpected nocturnal death syndrome; Sudden unexplained nocturnal death syndrome; Sudden Unexplained Death Syndrome; Sudden Unexplained Nocturnal Death Syndrome (SUNDS). Identifiers: Orphanet 130, MedGen C1142166, MONDO:0015263.

Submission:

Labcorp Genetics (formerly Invitae), Labcorp
Classification: Uncertain significance for Brugada syndrome. Last evaluated: 2025-04-26. Review status: criteria provided, single submitter. Criteria: Invitae Variant Classification Sherloc (09022015). Collection method: clinical testing. Allele origin: germline.
Comment: This sequence change replaces proline, which is neutral and non-polar, with arginine, which is basic and polar, at codon 307 of the SCN10A protein (p.Pro307Arg). This variant is not present in population databases (gnomAD no frequency). This variant has not been reported in the literature in individuals affected with SCN10A-related conditions. Invitae Evidence Modeling of protein sequence and biophysical properties (such as structural, functional, and spatial information, amino acid conservation, physicochemical variation, residue mobility, and thermodynamic stability) indicates that this missense variant is not expected to disrupt SCN10A protein function with a negative predictive value of 80%. In summary, the available evidence is currently insufficient to determine the role of this variant in disease. Therefore, it has been classified as a Variant of Uncertain Significance.